The following is an entry in ClinVar:

ClinVar aggregate classification (germline): Pathogenic (1 of 4 stars; one submission).

Conditions:
Pierson syndrome. Also called: MICROCORIA-CONGENITAL NEPHROTIC SYNDROME. Identifiers: Orphanet 2670, MedGen C1836876, MONDO:0012184, OMIM 609049.

gnomAD v4.1: 1 of 1,614,162 alleles (0.000062%); highest among the groups gnomAD compares: South Asian, 0.0011%; no homozygotes.

Submission:

3billion
Classification: Pathogenic for Pierson syndrome. Last evaluated: 2025-09-25. Review status: criteria provided, single submitter. Criteria: ACMG Guidelines, 2015. Collection method: clinical testing. Allele origin: germline. Affected: yes.
Comment: The variant is observed at an extremely low frequency in the gnomAD v4.1.0 dataset (total allele frequency: <0.001%). Predicted Consequence/Location: Canonical splice site: predicted to alter splicing and result in a loss or disruption of normal protein function. Multiple pathogenic loss-of-function variants are reported downstream of the variant. In silico tools predict the variant to alter splicing and produce an abnormal transcript [SpliceAI: 0.87 (spliceogenicity >=0.2, non-spliceogenicity <0.1)]. Therefore, this variant is classified as Pathogenic according to the recommendation of ACMG/AMP guideline.

NM_002292.4(LAMB2):c.1890+2T>C

Gene: LAMB2 (laminin subunit beta 2; minus strand). Cytogenetic location: 3p21.31.
Variant type: single nucleotide variant.
Coding change: c.1890+2T>C on transcript NM_002292.4 (MANE Select); the canonical splice donor site of the intron after coding-DNA position 1890, T replaced by C.
Molecular consequence: splice donor variant.
Genome position (GRCh38, 1-based): chr3:49,128,659, A>G on the plus strand (T>C on the coding strand, the complement: LAMB2 is on the minus strand). VCF-style: chr3-49128659-A-G. GRCh37 (hg19) VCF-style: chr3-49166092-A-G.
Identifiers: ClinVar variation 4854080 (VCV004854080.1).